The following is an entry in ClinVar:

ClinVar aggregate classification (germline): Conflicting classifications of pathogenicity. Review status: criteria provided, conflicting classifications (1 of 4 stars). 10 submissions from 10 submitters: Uncertain significance (2); Likely benign (4). 4 of the submissions do not count toward it. Last evaluated 2026-01-18.

Conditions:
TNFAIP3-related disorder. Also called: TNFAIP3-related condition.
Autoinflammatory syndrome, familial, Behcet-like 1 (AIFBL1). Also called: Haploinsufficiency of A20. Identifiers: Orphanet 674762, MedGen C4225218, MONDO:0800045, OMIM 616744.

Allele frequency attached by ClinVar (database versions not stated): ESP Exome Variant Server 0.00031; TOPMed 0.00036; gnomAD 0.00039 and 0.00043; ExAC 0.00045; gnomAD exomes 0.00046.

Submissions (10):

Labcorp Genetics (formerly Invitae), Labcorp
Classification: Likely benign. Last evaluated: 2026-01-18. Review status: criteria provided, single submitter. Criteria: Invitae Variant Classification Sherloc (09022015). Collection method: clinical testing. Allele origin: germline.

Mayo Clinic Laboratories, Mayo Clinic
Classification: Likely benign. Last evaluated: 2025-06-25. Review status: criteria provided, single submitter. Criteria: ACMG Guidelines, 2015. Collection method: clinical testing. Allele origin: germline. Observed: 1 variant allele.
Comment: BS1, BP4_moderate

Blueprint Genetics
Classification: Likely benign. Last evaluated: 2024-09-12. Review status: criteria provided, single submitter. Criteria: ACMG Guidelines, 2015. Collection method: clinical testing. Allele origin: germline.

CeGaT Center for Human Genetics Tuebingen
Classification: Likely benign. Last evaluated: 2024-02-01. Review status: criteria provided, single submitter. Criteria: CeGaT Center For Human Genetics Tuebingen Variant Classification Criteria Version 2. Collection method: clinical testing. Allele origin: germline. Affected: yes. Observed: 5 variant alleles.
Comment: TNFAIP3: BP4, BS1

ARUP Laboratories, Molecular Genetics and Genomics, ARUP Laboratories
Classification: Uncertain significance for Autoinflammatory syndrome, familial, Behcet-like 1. Last evaluated: 2023-09-14. Review status: criteria provided, single submitter. Criteria: ARUP Molecular Germline Variant Investigation Process 2024. Collection method: clinical testing. Allele origin: germline.
Comment: The TNFAIP3 c.2231G>A; p.Gly744Asp variant (rs150355046), to our knowledge, is not reported in the medical literature but is reported in ClinVar (Variation ID: 135348). This variant is found in the non-Finnish European population with an allele frequency of 0.07% (90/128,668 alleles) in the Genome Aggregation Database. Computational analyses predict that this variant is neutral (REVEL: 0.023). While the high population frequency suggests that this is likely a benign variant, given the lack of clinical and functional data, the significance of this variant is uncertain at this time.

GeneDx
Classification: Uncertain significance. Last evaluated: 2022-01-10. Review status: criteria provided, single submitter. Criteria: GeneDx Variant Classification Process June 2021. Collection method: clinical testing. Allele origin: germline. Affected: yes.
Comment: Reported in an individual with axial spondyloarthritis, but detailed clinical and segregation information were not provided (Liu et al., 2017); In silico analysis supports that this missense variant does not alter protein structure/function; This variant is associated with the following publications: (PMID: 28791018, 24728327)

PreventionGenetics, part of Exact Sciences
Classification: Likely benign for TNFAIP3-related condition. Last evaluated: 2022-03-16. Review status: no assertion criteria provided. Collection method: clinical testing. Allele origin: germline. Not counted in ClinVar's aggregate classification.
Comment: This variant is classified as likely benign based on ACMG/AMP sequence variant interpretation guidelines (Richards et al. 2015 PMID: 25741868, with internal and published modifications).

ITMI
No classification provided. Condition: AllHighlyPenetrant. Last evaluated: 2013-09-19. Review status: no classification provided. Collection method: reference population. Allele origin: germline. Not counted in ClinVar's aggregate classification.
Comment: Please see associated publication for description of ethnicities

Clinical Genetics DNA and cytogenetics Diagnostics Lab, Erasmus MC, Erasmus Medical Center
Classification: Likely benign. Review status: no assertion criteria provided. Collection method: clinical testing. Allele origin: germline. Affected: yes. Study: VKGL Data-share Consensus. Not counted in ClinVar's aggregate classification.

Genome Diagnostics Laboratory, University Medical Center Utrecht
Classification: Likely benign. Review status: no assertion criteria provided. Collection method: clinical testing. Allele origin: germline. Affected: yes. Study: VKGL Data-share Consensus. Not counted in ClinVar's aggregate classification.

Literature cited by the submitters: PubMed 24728327 (cited by ITMI).

NM_001270508.2(TNFAIP3):c.2231G>A (p.Gly744Asp)

Gene: TNFAIP3 (TNF alpha induced protein 3; plus strand). Cytogenetic location: 6q23.3.
Variant type: single nucleotide variant.
Coding change: c.2231G>A on transcript NM_001270508.2 (MANE Select); coding-DNA position 2231, G replaced by A.
Protein change: p.Gly744Asp; replaces glycine 744 with aspartic acid.
Molecular consequence: missense variant.
Genome position (GRCh38, 1-based): chr6:137,881,177, G>A. VCF-style: chr6-137881177-G-A. GRCh37 (hg19) VCF-style: chr6-138202314-G-A.
Other names: p.Gly744Asp; c.2231G>A, p.Gly744Asp (NM_001270507.2, NM_006290.4); short protein forms G744D.
Identifiers: ClinVar variation 135348 (VCV000135348.44), dbSNP rs150355046, ClinGen allele CA162443.